The following is an entry in ClinVar:

ClinVar aggregate classification (germline): Uncertain significance (1 of 4 stars; one submission).

Conditions:
Alstrom syndrome (ALMS). Identifiers: Orphanet 64, MedGen C0268425, MONDO:0008763, OMIM 203800.

Submission:

Labcorp Genetics (formerly Invitae), Labcorp
Classification: Uncertain significance for Alstrom syndrome. Last evaluated: 2022-06-22. Review status: criteria provided, single submitter. Criteria: Invitae Variant Classification Sherloc (09022015). Collection method: clinical testing. Allele origin: germline.
Comment: This sequence change replaces lysine, which is basic and polar, with glutamic acid, which is acidic and polar, at codon 1738 of the ALMS1 protein (p.Lys1738Glu). This variant is not present in population databases (gnomAD no frequency). This variant has not been reported in the literature in individuals affected with ALMS1-related conditions. Experimental studies and prediction algorithms are not available or were not evaluated, and the functional significance of this variant is currently unknown. In summary, the available evidence is currently insufficient to determine the role of this variant in disease. Therefore, it has been classified as a Variant of Uncertain Significance.

NM_001378454.1(ALMS1):c.5209A>G (p.Lys1737Glu)

Gene: ALMS1 (ALMS1 centrosome and basal body associated protein; plus strand). Cytogenetic location: 2p13.1.
Variant type: single nucleotide variant.
Coding change: c.5209A>G on transcript NM_001378454.1 (MANE Select); coding-DNA position 5209, A replaced by G.
Protein change: p.Lys1737Glu; replaces lysine 1737 with glutamic acid.
Molecular consequence: missense variant.
Genome position (GRCh38, 1-based): chr2:73,451,736, A>G. VCF-style: chr2-73451736-A-G. GRCh37 (hg19) VCF-style: chr2-73678863-A-G.
Other names: c.5212A>G, p.Lys1738Glu (NM_015120.4); short protein forms K1738E, K1737E.
Identifiers: ClinVar variation 1345784 (VCV001345784.6), dbSNP rs2103785554, ClinGen allele CA347280393.